The following is an entry in ClinVar:

NM_003850.3(SUCLA2):c.688C>T (p.Pro230Ser)

Gene: SUCLA2 (succinate-CoA ligase ADP-forming subunit beta; minus strand). Cytogenetic location: 13q14.2.
Variant type: single nucleotide variant.
Coding change: c.688C>T on transcript NM_003850.3 (MANE Select); coding-DNA position 688, C replaced by T.
Protein change: p.Pro230Ser; replaces proline 230 with serine.
Molecular consequence: missense variant.
Genome position (GRCh38, 1-based): chr13:47,968,709, G>A on the plus strand (C>T on the coding strand, the complement: SUCLA2 is on the minus strand). VCF-style: chr13-47968709-G-A. GRCh37 (hg19) VCF-style: chr13-48542844-G-A.
Other names: p.P230S:CCT>TCT; short protein forms P230S.
Identifiers: ClinVar variation 203963 (VCV000203963.2), dbSNP rs796052047, ClinGen allele CA313034.
Genomic context (GRCh38, chr13:47,968,709, plus strand): 5'-ATTTCAGAAAAAGGCTGTAAAGCTTGACCATGTTTTCTGCTGCTGATTCCACAATATTAG[G>A]TGGAAATCCCATCTTCTGTGCAAGCTGAAATCAATATGTCTTTTTATTATAGGTAGTTTG-3'
Protein context (NP_003841.1, residues 220-240): LQLAQKMGFP[Pro230Ser]NIVESAAENM

ClinVar aggregate classification (germline): Likely benign (1 of 4 stars; one submission).

Allele frequency attached by ClinVar (database versions not stated): gnomAD exomes below 0.00001 and 0.00001; TOPMed 0.00001.

Submission:

GeneDx
Classification: Likely benign. Last evaluated: 2011-09-27. Review status: criteria provided, single submitter. Criteria: GeneDx Variant Classification (06012015). Collection method: clinical testing. Allele origin: germline. Affected: yes.
Comment: This variant is considered likely benign or benign based on one or more of the following criteria: it is a conservative change, it occurs at a poorly conserved position in the protein, it is predicted to be benign by multiple in silico algorithms, and/or has population frequency not consistent with disease.